The following is an entry in ClinVar:

ClinVar aggregate classification (germline): Pathogenic/Likely pathogenic. Review status: criteria provided, multiple submitters, no conflicts (2 of 4 stars). 8 submissions from 8 submitters: Pathogenic (6); Likely pathogenic (1). 1 of the submissions does not count toward it. Last evaluated 2025-02-15.

Conditions:
Arthrogryposis multiplex congenita 6. Identifiers: MedGen C5543431, MONDO:0030281, OMIM 619334.
Nemaline myopathy 2 (NEM2). Also called: Nemaline myopathy 2, autosomal recessive. Identifiers: MedGen C1850569, MONDO:0009725, OMIM 256030.
Nemaline myopathy. Also called: Myopathies, Nemaline. Identifiers: Orphanet 607, MedGen C0206157, MONDO:0018958.

Submissions (8):

Labcorp Genetics (formerly Invitae), Labcorp
Classification: Pathogenic for Nemaline myopathy 2. Last evaluated: 2025-02-15. Review status: criteria provided, single submitter. Criteria: Invitae Variant Classification Sherloc (09022015). Collection method: clinical testing. Allele origin: germline.
Comment: This sequence change creates a premature translational stop signal (p.Arg8094Serfs*9) in the NEB gene. It is expected to result in an absent or disrupted protein product. Loss-of-function variants in NEB are known to be pathogenic (PMID: 25205138). This variant is present in population databases (no rsID available, gnomAD 0.007%). This premature translational stop signal has been observed in individuals with nemaline myopathy (PMID: 12207938, 16917880, 25205138). This variant is also known as del(AG) codon 21-22 of exon 177d and g.234866_234867delAG. ClinVar contains an entry for this variant (Variation ID: 550775). Algorithms developed to predict the effect of sequence changes on RNA splicing suggest that this variant may disrupt the consensus splice site. For these reasons, this variant has been classified as Pathogenic.

Natera, Inc.
Classification: Likely pathogenic for Nemaline myopathy type 2. Last evaluated: 2024-12-10. Review status: criteria provided, single submitter. Criteria: Natera Variant Classification Schema (03/2026). Collection method: clinical testing. Allele origin: germline.
Comment: The c.24282_24283del variant in NEB is a frameshift variant predicted to shift the reading frame beginning at codon 8094 and leads to a stop codon 9 codons downstream. This variant is expected to result in nonsense mediated decay, truncation, or a dysfunctional protein product. This variant is rare in the general population with a frequency below the threshold expected for the associated phenotype(s). Given the available evidence, this variant is classified as Likely Pathogenic.

Revvity Omics, Revvity
Classification: Pathogenic. Last evaluated: 2024-04-23. Review status: criteria provided, single submitter. Criteria: ACMG Guidelines, 2015. Collection method: clinical testing. Allele origin: germline.

Fulgent Genetics
Classification: Pathogenic for Nemaline myopathy 2; Arthrogryposis multiplex congenita 6. Last evaluated: 2024-02-02. Review status: criteria provided, single submitter. Criteria: ACMG Guidelines, 2015. Collection method: clinical testing. Allele origin: germline.

CeGaT Center for Human Genetics Tuebingen
Classification: Pathogenic. Last evaluated: 2022-07-01. Review status: criteria provided, single submitter. Criteria: CeGaT Center For Human Genetics Tuebingen Variant Classification Criteria Version 2. Collection method: clinical testing. Allele origin: germline. Affected: yes. Observed: 1 variant allele.
Comment: NEB: PVS1, PM2

Women's Health and Genetics/Laboratory Corporation of America, LabCorp
Classification: Pathogenic for Nemaline myopathy. Last evaluated: 2021-08-13. Review status: criteria provided, single submitter. Criteria: LabCorp Variant Classification Summary - May 2015. Collection method: clinical testing. Allele origin: germline.
Comment: Variant summary: NEB c.24282_24283delAG (p.Arg8094SerfsX9) results in a premature termination codon, predicted to cause a truncation of the encoded protein or absence of the protein due to nonsense mediated decay, which are commonly known mechanisms for disease. Truncations downstream of this position have been classified as pathogenic by our laboratory. The variant was absent in 157088 control chromosomes. c.24282_24283delAG has been reported in the literature as a homozygous genotype in at-least one individual from a British family affected with Nemaline Myopathy 2 and has been subsequently cited by others (example, Pelin_2002, Lehtokari_2006, Lehtokari_2014). These data indicate that the variant may be associated with disease. To our knowledge, no experimental evidence demonstrating an impact on protein function has been reported. Two clinical diagnostic laboratories have submitted clinical-significance assessments for this variant to ClinVar after 2014 without evidence for independent evaluation. All submitters classified the variant as pathogenic/likely pathogenic. Based on the evidence outlined above, the variant was classified as pathogenic.

Victorian Clinical Genetics Services, Murdoch Childrens Research Institute
Classification: Pathogenic for Nemaline myopathy 2. Last evaluated: 2020-10-19. Review status: criteria provided, single submitter. Criteria: ACMG Guidelines, 2015. Collection method: clinical testing. Allele origin: germline.
Comment: Based on the classification scheme VCGS_Germline_v1.3.3, this variant is classified as Pathogenic. Following criteria are met: 0102 - Loss of function is a known mechanism of disease in this gene and is associated with nemaline myopathy (MIM#256030). (I) 0106 - This gene is associated with autosomal recessive disease. (I) 0201 - Variant is predicted to cause nonsense-mediated decay (NMD) and loss of protein (premature termination codon is located at least 54 nucleotides upstream of the final exon-exon junction). (SP) 0219 - This variant is non-coding in an alternative transcript. However, many pathogenic variants in the same coding exon have been reported (ClinVar, UCSC). (I) 0251 - This variant is heterozygous. (I) 0304 - Variant is present in gnomAD (v2) <0.01 for a recessive condition (1 heterozygote, 0 homozygotes). (SP) 0701 - Other NMD-predicted variants comparable to the one identified in this case have very strong previous evidence for pathogenicity (PMID: 32222963, ClinVar). (SP) 0803 - This variant has limited previous evidence of pathogenicity in unrelated individuals. This variant has been reported as likely pathogenic (ClinVar) and in a homozygous patient with typical nemaline myopathy (PMID: 25205138). (SP) 1201 - Heterozygous variant detected in trans with a second pathogenic heterozygous variant (p.Ile3156Leufs*16) in a recessive disease. (I) Legend: (SP) - Supporting pathogenic, (I) - Information, (SB) - Supporting benign

Counsyl
Classification: Likely pathogenic for Nemaline myopathy 2. Last evaluated: 2017-02-16. Review status: no assertion criteria provided. Collection method: clinical testing. Allele origin: unknown. Not counted in ClinVar's aggregate classification.

Literature cited by the submitters: PubMed 25205138 (cited by 4 submitters); PubMed 12207938 (cited by Labcorp Genetics (formerly Invitae), Labcorp and Women's Health and Genetics/Laboratory Corporation of America, LabCorp); PubMed 16917880 (cited by Labcorp Genetics (formerly Invitae), Labcorp and Women's Health and Genetics/Laboratory Corporation of America, LabCorp); PubMed 32222963 (cited by Victorian Clinical Genetics Services, Murdoch Childrens Research Institute).

NM_001164508.2(NEB):c.24177_24178del (p.Arg8059fs)

Genes: NEB (nebulin; minus strand), RIF1 (replication timing regulatory factor 1; plus strand). Cytogenetic location: 2q23.3.
Variant type: Microsatellite.
Coding change: c.24177_24178del on transcript NM_001164508.2 (MANE Select); coding-DNA positions 24177 to 24178, 2 bases deleted (AG; older notation c.24177_24178delAG).
Protein change: p.Arg8059fs; shifts the reading frame from arginine 8059.
Molecular consequence: frameshift variant. On other transcripts: intron variant (1).
Genome position (GRCh38, 1-based): chr2:151,498,289-151,498,290, CT deleted on the plus strand (AG on the coding strand, the reverse complement: NEB is on the minus strand); deleting any 2 consecutive bases within chr2:151,498,289-151,498,294 gives the same sequence; the c. name uses the placement nearest the transcript's 3' end. VCF-style (leftmost placement, unchanged base first): chr2-151498288-ACT-A. GRCh37 (hg19) VCF-style: chr2-152354802-ACT-A.
Other names: c.24282_24283del (NM_001271208.1); c.24177_24178del, p.Arg8059fs (NM_001164507.2); c.24282_24283del, p.Arg8094fs (NM_001271208.2); c.18826-1926AG[2] (NM_004543.5); short protein forms R8094fs, R8059fs.
Identifiers: ClinVar variation 550775 (VCV000550775.51), dbSNP rs1266535163, ClinGen allele CA537029901.